The following is an entry in ClinVar:

ClinVar aggregate classification (germline): Uncertain significance (1 of 4 stars; one submission).

Conditions:
CEP164-related disorder. Also called: CEP164-related condition.

Submission:

PreventionGenetics, part of Exact Sciences
Classification: Uncertain significance for CEP164-related condition. Last evaluated: 2026-06-08. Review status: criteria provided, single submitter. Criteria: ACMG Guidelines, 2015. Collection method: clinical testing. Allele origin: germline.
Comment: The CEP164 c.1265delinsTGGCTGGAATTGATGTGCTTTCCCCAGT variant is predicted to result in an in-frame deletion and insertion. To our knowledge, this variant has not been reported in the literature or in a large population database (gnomAD), indicating this variant is rare. At this time, the clinical significance of this variant is uncertain due to the absence of conclusive functional and genetic evidence.

NM_014956.5(CEP164):c.1265delinsTGGCTGGAATTGATGTGCTTTCCCCAGT (p.His422delinsLeuAlaGlyIleAspValLeuSerProVal)

Gene: CEP164 (centrosomal protein 164; plus strand). Cytogenetic location: 11q23.3.
Variant type: Indel.
Coding change: c.1265delinsTGGCTGGAATTGATGTGCTTTCCCCAGT on transcript NM_014956.5 (MANE Select); coding-DNA position 1265, A replaced by TGGCTGGAATTGATGTGCTTTCCCCAGT.
Protein change: p.His422delinsLeuAlaGlyIleAspValLeuSerProVal.
Molecular consequence: inframe indel.
Genome position (GRCh38, 1-based): chr11:117,375,739, A replaced by TGGCTGGAATTGATGTGCTTTCCCCAGT. VCF-style: chr11-117375739-A-TGGCTGGAATTGATGTGCTTTCCCCAGT. GRCh37 (hg19) VCF-style: chr11-117246455-A-TGGCTGGAATTGATGTGCTTTCCCCAGT.
Other names: c.1265delinsTGGCTGGAATTGATGTGCTTTCCCCAGT, p.His422delinsLeuAlaGlyIleAspValLeuSerProVal (NM_001271933.2, NM_001440949.1, NM_001440950.1 and 16 more transcripts); c.1187delinsTGGCTGGAATTGATGTGCTTTCCCCAGT, p.His396delinsLeuAlaGlyIleAspValLeuSerProVal (NM_001440952.1, NM_001440954.1, NM_001440955.1 and 16 more transcripts); c.1127delinsTGGCTGGAATTGATGTGCTTTCCCCAGT, p.His376delinsLeuAlaGlyIleAspValLeuSerProVal (NM_001440960.1); c.1106delinsTGGCTGGAATTGATGTGCTTTCCCCAGT, p.His369delinsLeuAlaGlyIleAspValLeuSerProVal (NM_001440972.1).
Identifiers: ClinVar variation 4995413 (VCV004995413.1).
Genomic context (GRCh38, chr11:117,375,739, plus strand): 5'-GTTGACCTTTGCATCTCCACTGTCTCCAGGACTTCGGTTTTCGCAGCCGGATCTCGGAGC[A>TGGCTGGAATTGATGTGCTTTCCCCAGT]CCTGCTGGATGTTGATGTGCTTTCCCCAGTCCTGGGTGGAGCTTGTCGGCAGGTGAGTTT-3'